The following is an entry in ClinVar:

ClinVar aggregate classification (germline): Uncertain significance (1 of 4 stars; one submission).

Submission:

Labcorp Genetics (formerly Invitae), Labcorp
Classification: Uncertain significance. Last evaluated: 2022-07-12. Review status: criteria provided, single submitter. Criteria: Invitae Variant Classification Sherloc (09022015). Collection method: clinical testing. Allele origin: germline.
Comment: This sequence change replaces alanine, which is neutral and non-polar, with threonine, which is neutral and polar, at codon 2569 of the ZNF469 protein (p.Ala2569Thr). This variant is not present in population databases (gnomAD no frequency). This variant has not been reported in the literature in individuals affected with ZNF469-related conditions. Algorithms developed to predict the effect of missense changes on protein structure and function (SIFT, PolyPhen-2, Align-GVGD) all suggest that this variant is likely to be tolerated. In summary, the available evidence is currently insufficient to determine the role of this variant in disease. Therefore, it has been classified as a Variant of Uncertain Significance.

NM_001367624.2(ZNF469):c.7789G>A (p.Ala2597Thr)

Gene: ZNF469 (zinc finger protein 469; plus strand). Cytogenetic location: 16q24.2.
Variant type: single nucleotide variant.
Coding change: c.7789G>A on transcript NM_001367624.2 (MANE Select); coding-DNA position 7789, G replaced by A.
Protein change: p.Ala2597Thr; replaces alanine 2597 with threonine.
Molecular consequence: missense variant.
Genome position (GRCh38, 1-based): chr16:88,435,259, G>A. VCF-style: chr16-88435259-G-A. GRCh37 (hg19) VCF-style: chr16-88501667-G-A.
Other names: short protein forms A2597T.
Identifiers: ClinVar variation 2090636 (VCV002090636.4), dbSNP rs2507597551, ClinGen allele CA397114833.
Genomic context (GRCh38, chr16:88,435,259, plus strand): 5'-AGCCCTACTGAGCATGAGGTAGATGTGAAGACTCCGGCCTCCAAGCCCAGACCAGACCAG[G>A]CCAGGGAAGATGAGCTGCATCCCAAACAGGCAGAAAAAAGAGAAGGCCGGAGGTGGCGCC-3'
Protein context (NP_001354553.1, residues 2587-2607): TPASKPRPDQ[Ala2597Thr]REDELHPKQA